The following is an entry in ClinVar:

ClinVar aggregate classification (germline): Uncertain significance (1 of 4 stars; one submission).

Conditions:
Dyskeratosis congenita, autosomal dominant 2. Identifiers: MedGen C3151443, MONDO:0013521, OMIM 613989.
Idiopathic Pulmonary Fibrosis. Also called: Idiopathic fibrosing alveolitis, chronic form; idiopathic fibrosing alveolitis. Identifiers: Orphanet 2032, MedGen C1800706, MeSH D054990, MONDO:0800504.

Submission:

Labcorp Genetics (formerly Invitae), Labcorp
Classification: Uncertain significance for Dyskeratosis congenita, autosomal dominant 2; Idiopathic Pulmonary Fibrosis. Last evaluated: 2022-05-29. Review status: criteria provided, single submitter. Criteria: Invitae Variant Classification Sherloc (09022015). Collection method: clinical testing. Allele origin: germline.
Comment: In summary, the available evidence is currently insufficient to determine the role of this variant in disease. Therefore, it has been classified as a Variant of Uncertain Significance. Variants that disrupt the consensus splice site are a relatively common cause of aberrant splicing (PMID: 17576681, 9536098). Algorithms developed to predict the effect of sequence changes on RNA splicing suggest that this variant is not likely to affect RNA splicing. This variant has not been reported in the literature in individuals affected with TERT-related conditions. This variant is not present in population databases (gnomAD no frequency). This sequence change falls in intron 4 of the TERT gene. It does not directly change the encoded amino acid sequence of the TERT protein. It affects a nucleotide within the consensus splice site.

Literature cited by the submitters: PubMed 17576681; PubMed 9536098.

NM_198253.3(TERT):c.1951-3C>T

Gene: TERT (telomerase reverse transcriptase; minus strand). Cytogenetic location: 5p15.33.
Variant type: single nucleotide variant.
Coding change: c.1951-3C>T on transcript NM_198253.3 (MANE Select); 3 bases into the intron before coding-DNA position 1951, C replaced by T.
Molecular consequence: intron variant.
Genome position (GRCh38, 1-based): chr5:1,279,473, G>A on the plus strand (C>T on the coding strand, the complement: TERT is on the minus strand). VCF-style: chr5-1279473-G-A. GRCh37 (hg19) VCF-style: chr5-1279588-G-A.
Other names: c.1951-3C>T (NM_001193376.3).
Identifiers: ClinVar variation 2000322 (VCV002000322.4), dbSNP rs1331909978, ClinGen allele CA2580071958.
Genomic context (GRCh38, chr5:1,279,473, plus strand): 5'-CCCGCTCGTAGTTGAGCACGCTGAACAGTGCCTTCACCCTCGAGGTGAGACGCTCGGCCT[G>A]GCGGGGACAGCATGGGAGACAGTCAGGAAAGTGGATCCGGCCAAGTGCCCACCCCACCAT-3'